The following is an entry in ClinVar:

NM_014049.5(ACAD9):c.1258del (p.Arg420fs)

Gene: ACAD9 (acyl-CoA dehydrogenase family member 9; plus strand). Cytogenetic location: 3q21.3.
Variant type: Deletion.
Coding change: c.1258del on transcript NM_014049.5 (MANE Select); coding-DNA position 1258, one base deleted (C; older notation c.1258delC).
Protein change: p.Arg420fs; shifts the reading frame from arginine 420.
Molecular consequence: frameshift variant. On other transcripts: non-coding transcript variant (1).
Genome position (GRCh38, 1-based): chr3:128,906,229, C deleted; the last of 3 consecutive C bases (chr3:128,906,227-128,906,229); deleting any one gives the same sequence. VCF-style (leftmost placement, unchanged base first): chr3-128906226-AC-A. GRCh37 (hg19) VCF-style: chr3-128625069-AC-A.
Other names: c.889delC, p.Arg297Alafs (NM_001410805.1); short protein forms R420fs.
Identifiers: ClinVar variation 2101046 (VCV002101046.4), dbSNP rs2529273160, ClinGen allele CA2580068725.

ClinVar aggregate classification (germline): Pathogenic (1 of 4 stars; one submission).

Submission:

Labcorp Genetics (formerly Invitae), Labcorp
Classification: Pathogenic. Last evaluated: 2022-02-21. Review status: criteria provided, single submitter. Criteria: Invitae Variant Classification Sherloc (09022015). Collection method: clinical testing. Allele origin: germline.
Comment: For these reasons, this variant has been classified as Pathogenic. This variant has not been reported in the literature in individuals affected with ACAD9-related conditions. This variant is not present in population databases (gnomAD no frequency). This sequence change creates a premature translational stop signal (p.Arg420Alafs*19) in the ACAD9 gene. It is expected to result in an absent or disrupted protein product. Loss-of-function variants in ACAD9 are known to be pathogenic (PMID: 25721401).

Literature cited by the submitters: PubMed 25721401.